The following is an entry in ClinVar:

NM_001267550.2(TTN):c.41982T>C (p.Pro13994=)

Gene: TTN (titin; minus strand). Cytogenetic location: 2q31.2.
Variant type: single nucleotide variant.
Coding change: c.41982T>C on transcript NM_001267550.2 (MANE Select); coding-DNA position 41982, T replaced by C.
Protein change: p.Pro13994=; no amino-acid change (proline 13994 retained).
Molecular consequence: synonymous variant.
Genome position (GRCh38, 1-based): chr2:178,635,207, A>G on the plus strand (T>C on the coding strand, the complement: TTN is on the minus strand). VCF-style: chr2-178635207-A-G. GRCh37 (hg19) VCF-style: chr2-179499934-A-G.
Other names: c.34278T>C, p.Pro11426= (NM_133378.4); c.37059T>C, p.Pro12353= (NM_001256850.1); c.14787T>C, p.Pro4929= (NM_003319.4); c.15162T>C, p.Pro5054= (NM_133432.3); c.15363T>C, p.Pro5121= (NM_133437.4).
Identifiers: ClinVar variation 228091 (VCV000228091.20), dbSNP rs777609108, ClinGen allele CA1996173.

ClinVar aggregate classification (germline): Likely benign. Review status: criteria provided, multiple submitters, no conflicts (2 of 4 stars). 5 submissions from 5 submitters: Likely benign (5). Last evaluated 2026-01-16.

Conditions:
TTN-related disorder. Also called: TTN-related disorders; TTN-related condition; TTN-related disease.
Cardiovascular phenotype. Identifiers: MedGen CN230736.
Dilated cardiomyopathy 1G (CMD1G). Identifiers: Orphanet 154, MedGen C1858763, MONDO:0011400, OMIM 604145.
Autosomal recessive limb-girdle muscular dystrophy type 2J (LGMDR10). Also called: Limb-girdle muscular dystrophy, type 2J; MUSCULAR DYSTROPHY, LIMB-GIRDLE, AUTOSOMAL RECESSIVE 10. Identifiers: Orphanet 140922, MedGen C1837342, MONDO:0012127, OMIM 608807.

Allele frequency attached by ClinVar (database versions not stated): gnomAD exomes 0.00001 and 0.00003; ExAC 0.00002; gnomAD 0.00009; TOPMed 0.00011.
gnomAD v4.1: 32 of 1,613,254 alleles (0.002%); highest among the groups gnomAD compares: African/African-American, 0.029%; no homozygotes.

Submissions (5):

Labcorp Genetics (formerly Invitae), Labcorp
Classification: Likely benign for Dilated cardiomyopathy 1G; Autosomal recessive limb-girdle muscular dystrophy type 2J. Last evaluated: 2026-01-16. Review status: criteria provided, single submitter. Criteria: Invitae Variant Classification Sherloc (09022015). Collection method: clinical testing. Allele origin: germline.

PreventionGenetics, part of Exact Sciences
Classification: Likely benign for TTN-related condition. Last evaluated: 2025-09-12. Review status: criteria provided, single submitter. Criteria: ACMG Guidelines, 2015. Collection method: clinical testing. Allele origin: germline.
Comment: This variant is classified as likely benign based on ACMG/AMP sequence variant interpretation guidelines (Richards et al. 2015 PMID: 25741868, with internal and published modifications).

Ambry Genetics
Classification: Likely benign for Cardiovascular phenotype. Last evaluated: 2021-03-27. Review status: criteria provided, single submitter. Criteria: Ambry Variant Classification Scheme 2023. Collection method: clinical testing. Allele origin: germline.

GeneDx
Classification: Likely benign. Last evaluated: 2019-11-14. Review status: criteria provided, single submitter. Criteria: GeneDx Variant Classification Process June 2021. Collection method: clinical testing. Allele origin: germline. Affected: yes.

Laboratory for Molecular Medicine, Mass General Brigham Personalized Medicine
Classification: Likely benign. Last evaluated: 2015-10-22. Review status: criteria provided, single submitter. Criteria: LMM Criteria. Collection method: clinical testing. Allele origin: germline. Observed: 1 variant allele.
Comment: p.Pro11426Pro in exon 177 of TTN: This variant is not expected to have clinical significance because it does not alter an amino acid residue and is not located within the splice consensus sequence. It has been identified in 2/11530 Latino c hromosomes and 1/9800 African chromosomes by the Exome Aggregation Consortium (E xAC).